The following is an entry in ClinVar:

ClinVar aggregate classification (germline): Pathogenic/Likely pathogenic. Review status: criteria provided, multiple submitters, no conflicts (2 of 4 stars). 8 submissions from 8 submitters: Pathogenic (4); Likely pathogenic (1). 3 of the submissions do not count toward it. Last evaluated 2026-09-04.

Conditions:
HNF1B-related disorder. Also called: HNF1B-related condition; HNF1B-related disorders.
Nonpapillary renal cell carcinoma. Identifiers: Orphanet 422526, MedGen CN074294, MONDO:0007763, OMIM 144700.
Type 2 diabetes mellitus. Also called: Type II diabetes mellitus. Identifiers: MedGen C0011860, MeSH D003924, MONDO:0005148, OMIM 125853, HP:0005978.
Renal cysts and diabetes syndrome (RCAD). Also called: Familial hypoplastic, glomerulocystic kidney; MATURITY-ONSET DIABETES OF THE YOUNG, TYPE 5. Identifiers: Orphanet 93111, MedGen C0431693, MONDO:0007669, OMIM 137920.

Submissions (8):

PreventionGenetics, part of Exact Sciences
Classification: Pathogenic for HNF1B-related condition. Last evaluated: 2026-09-04. Review status: criteria provided, single submitter. Criteria: ACMG Guidelines, 2015. Collection method: clinical testing. Allele origin: germline.
Comment: The HNF1B c.544+1G>A variant is predicted to disrupt the GT donor site and interfere with normal splicing. This variant, also described as IVS2nt+1G>A, has been reported in two unrelated individuals with MODY and in three unrelated individuals with renal cysts or dysplasia (Iwasaki et al. 2001. PubMed ID: 11317673; Edghill et al. 2005. PubMed ID: 15930087; Nagano et al. 2019. PubMed ID: 31131422; Yorifuji et al. 2022. PubMed ID: 36504295). This variant has been reported to be de novo in one of the individuals with cystic kidney disease, and has been reported to segregate with disease in a family with MODY and renal dysplasia and another family with renal cysts (Iwasaki et al. 2001. PubMed ID: 11317673; Edghill et al. 2005. PubMed ID: 15930087; Nagano et al. 2019. PubMed ID: 31131422). This variant has not been reported in a large population database (gnomAD), indicating this variant is rare. Other variants affecting this splice site (c.544+1G>T; c.544+4A>C) have been reported in individuals with HNF1B-related disease (Dubois-Laforgue. 2014. PubMed ID: 24652735; Nagano et al. 2019. PubMed ID: 31131422). Variants that disrupt the consensus splice donor site in HNF1B are expected to be pathogenic. This variant is interpreted as pathogenic.

Labcorp Genetics (formerly Invitae), Labcorp
Classification: Pathogenic. Last evaluated: 2025-12-29. Review status: criteria provided, single submitter. Criteria: Invitae Variant Classification Sherloc (09022015). Collection method: clinical testing. Allele origin: germline.
Comment: This sequence change affects a donor splice site in intron 2 of the HNF1B gene. It is expected to disrupt RNA splicing. Variants that disrupt the donor or acceptor splice site typically lead to a loss of protein function (PMID: 16199547), and loss-of-function variants in HNF1B are known to be pathogenic (PMID: 9398836, 12148114, 15068978, 20378641). This variant is not present in population databases (gnomAD no frequency). Disruption of this splice site has been observed in individual(s) with renal cysts and diabetes syndrome (PMID: 11317673). It has also been observed to segregate with disease in related individuals. This variant is also known as IVS2nt+1G>A. ClinVar contains an entry for this variant (Variation ID: 12643). Algorithms developed to predict the effect of sequence changes on RNA splicing suggest that this variant may disrupt the consensus splice site. For these reasons, this variant has been classified as Pathogenic.

Fulgent Genetics
Classification: Likely pathogenic for Type 2 diabetes mellitus; Renal cysts and diabetes syndrome; Nonpapillary renal cell carcinoma. Last evaluated: 2024-03-07. Review status: criteria provided, single submitter. Criteria: ACMG Guidelines, 2015. Collection method: clinical testing. Allele origin: germline.

3billion
Classification: Pathogenic for Renal cysts and diabetes syndrome. Last evaluated: 2022-05-22. Review status: criteria provided, single submitter. Criteria: ACMG Guidelines, 2015. Collection method: clinical testing. Allele origin: germline. Affected: yes. Observed: 1 heterozygote.
Comment: The variant is not observed in the gnomAD v2.1.1 dataset. Canonical splice site: predicted to alter splicing and result in a loss or disruption of normal protein function. Multiple pathogenic loss-of-function variants are reported downstream of the variant. The variant has been reported at least twice as pathogenic without evidence for the classification (ClinVar ID: VCV000012643). Therefore, this variant is classified as pathogenic according to the recommendation of ACMG/AMP guideline.

Institute of Human Genetics, FAU Erlangen, Friedrich-Alexander-Universität Erlangen-Nürnberg
Classification: Pathogenic for Renal cysts and diabetes syndrome. Last evaluated: 2019-07-06. Review status: criteria provided, single submitter. Criteria: ACMG Guidelines, 2015. Collection method: literature only. Allele origin: germline. Affected: yes.
Comment: This variant and it's classification has been reported by Vasileiou et al. 2019; DOI:10.1101/576918. The variants has previously been reported in ClinVar:12643; PMID:25700310; PMID:15930087; PMID:11317673; PMID:29927023; PMID:25536396 as "HNF1B, IVS2DS, G-A, +1; c.544+1G>A; c.544+1G>A; c.544+1G>A" with clinical significance Pathogenic. It has been re-classified using InterVar and manual curation as Pathogenic based on PVS1 PM2 PP3.

OMIM
Classification: Pathogenic for RENAL CYSTS AND DIABETES SYNDROME. Last evaluated: 2001-03-01. Review status: no assertion criteria provided. Collection method: literature only. Allele origin: germline. Not counted in ClinVar's aggregate classification.

Genome Diagnostics Laboratory, University Medical Center Utrecht
Classification: Pathogenic. Review status: no assertion criteria provided. Collection method: clinical testing. Allele origin: germline. Affected: yes. Study: VKGL Data-share Consensus. Not counted in ClinVar's aggregate classification.

Laboratory of Diagnostic Genome Analysis, Leiden University Medical Center (LUMC)
Classification: Pathogenic. Review status: no assertion criteria provided. Collection method: clinical testing. Allele origin: germline. Affected: yes. Study: VKGL Data-share Consensus. Not counted in ClinVar's aggregate classification.

Literature cited by the submitters: PubMed 16199547 (cited by Labcorp Genetics (formerly Invitae), Labcorp); PubMed 9398836 (cited by Labcorp Genetics (formerly Invitae), Labcorp); PubMed 12148114 (cited by Labcorp Genetics (formerly Invitae), Labcorp); PubMed 15068978 (cited by Labcorp Genetics (formerly Invitae), Labcorp); PubMed 20378641 (cited by Labcorp Genetics (formerly Invitae), Labcorp); PubMed 11317673 (cited by 3 submitters); PubMed 25700310 (cited by Institute of Human Genetics, FAU Erlangen, Friedrich-Alexander-Universität Erlangen-Nürnberg); PubMed 15930087 (cited by Institute of Human Genetics, FAU Erlangen, Friedrich-Alexander-Universität Erlangen-Nürnberg); PubMed 29927023 (cited by Institute of Human Genetics, FAU Erlangen, Friedrich-Alexander-Universität Erlangen-Nürnberg); PubMed 25536396 (cited by Institute of Human Genetics, FAU Erlangen, Friedrich-Alexander-Universität Erlangen-Nürnberg); DOI 10.1101/576918 (cited by Institute of Human Genetics, FAU Erlangen, Friedrich-Alexander-Universität Erlangen-Nürnberg).

NM_000458.4(HNF1B):c.544+1G>A

Gene: HNF1B (HNF1 homeobox B; minus strand). Cytogenetic location: 17q12.
Variant type: single nucleotide variant.
Coding change: c.544+1G>A on transcript NM_000458.4 (MANE Select); the canonical splice donor site of the intron after coding-DNA position 544, G replaced by A.
Molecular consequence: splice donor variant.
Genome position (GRCh38, 1-based): chr17:37,739,439, C>T on the plus strand (G>A on the coding strand, the complement: HNF1B is on the minus strand). VCF-style: chr17-37739439-C-T. GRCh37 (hg19) VCF-style: chr17-36099430-C-T.
Other names: IVS2DS, G-A, +1; c.544+1G>A (NM_001304286.2, NM_001165923.4, NM_001411100.1).
Identifiers: ClinVar variation 12643 (VCV000012643.15), dbSNP rs1568670479, ClinGen allele CA398750998.